The following is an entry in ClinVar:

NM_002299.4(LCT):c.4347T>C (p.Phe1449=)

Gene: LCT (lactase; minus strand). Cytogenetic location: 2q21.3.
Variant type: single nucleotide variant.
Coding change: c.4347T>C on transcript NM_002299.4 (MANE Select); coding-DNA position 4347, T replaced by C.
Protein change: p.Phe1449=; no amino-acid change (phenylalanine 1449 retained).
Molecular consequence: synonymous variant.
Genome position (GRCh38, 1-based): chr2:135,804,884, A>G on the plus strand (T>C on the coding strand, the complement: LCT is on the minus strand). VCF-style: chr2-135804884-A-G. GRCh37 (hg19) VCF-style: chr2-136562454-A-G.
Other names: p.Phe1449=; c.4347T>C (LRG_338t1).
Identifiers: ClinVar variation 331175 (VCV000331175.42), dbSNP rs17699796, ClinGen allele CA1887873.
Genomic context (GRCh38, chr2:135,804,884, plus strand): 5'-GCCCGCTTCATTGATGTACCTGGTGGTTCCATCAGGGAGGATGCGAGACCAGGAGATGGA[A>G]AAACGGTAGTGGGACACGCCCAGGTTCTGCAGGGTGACCAGATCCTCAGCAATCTTGTGA-3'
Protein context (NP_002290.2, residues 1439-1459): LQNLGVSHYR[Phe1449=]SISWSRILPD

ClinVar aggregate classification (germline): Benign/Likely benign. Review status: criteria provided, multiple submitters, no conflicts (2 of 4 stars). 5 submissions from 5 submitters: Benign (3); Likely benign (1). 1 of the submissions does not count toward it. Last evaluated 2026-04-01.

Conditions:
LCT-related disorder. Also called: LCT-related condition.
Congenital lactase deficiency. Also called: ALACTASIA, CONGENITAL; DISACCHARIDE INTOLERANCE II. Identifiers: Orphanet 53690, MedGen C0268179, MONDO:0009115, OMIM 223000.

Allele frequency attached by ClinVar (database versions not stated): 1000 Genomes Project 30x 0.00515; 1000 Genomes Project 0.00519; TOPMed 0.00629; ESP Exome Variant Server 0.00700; gnomAD 0.00774 and 0.00780; gnomAD exomes 0.00785 and 0.00900; ExAC 0.00873.
gnomAD v4.1: 12,671 of 1,614,182 alleles (0.78%); highest among the groups gnomAD compares: Middle Eastern, 1.7%; 79 homozygotes.

Submissions (5):

CeGaT Center for Human Genetics Tuebingen
Classification: Likely benign. Last evaluated: 2026-04-01. Review status: criteria provided, single submitter. Criteria: CeGaT Center For Human Genetics Tuebingen Variant Classification Criteria Version 2. Collection method: clinical testing. Allele origin: germline. Affected: yes. Observed: 3 variant alleles.
Comment: LCT: BP4, BP7, BS2

Labcorp Genetics (formerly Invitae), Labcorp
Classification: Benign. Last evaluated: 2026-02-01. Review status: criteria provided, single submitter. Criteria: Invitae Variant Classification Sherloc (09022015). Collection method: clinical testing. Allele origin: germline.

Mayo Clinic Laboratories, Mayo Clinic
Classification: Benign. Last evaluated: 2025-01-29. Review status: criteria provided, single submitter. Criteria: ACMG Guidelines, 2015. Collection method: clinical testing. Allele origin: germline. Observed: 1 variant allele.
Comment: BS1, BS2, BP4, BP7

Illumina Laboratory Services, Illumina
Classification: Benign for Congenital lactase deficiency. Last evaluated: 2018-01-13. Review status: criteria provided, single submitter. Criteria: ICSL Variant Classification Criteria 13 December 2019. Collection method: clinical testing. Allele origin: germline.
Comment: This variant was observed in the ICSL laboratory as part of a predisposition screen in an ostensibly healthy population. It had not been previously curated by ICSL or reported in the Human Gene Mutation Database (HGMD: prior to June 1st, 2018), and was therefore a candidate for classification through an automated scoring system. Utilizing variant allele frequency, disease prevalence and penetrance estimates, and inheritance mode, an automated score was calculated to assess if this variant is too frequent to cause the disease. Based on the score and internal cut-off values, a variant classified as benign is not then subjected to further curation. The score for this variant resulted in a classification of benign for this disease.

PreventionGenetics, part of Exact Sciences
Classification: Benign for LCT-related condition. Last evaluated: 2019-09-23. Review status: no assertion criteria provided. Collection method: clinical testing. Allele origin: germline. Not counted in ClinVar's aggregate classification.
Comment: This variant is classified as benign based on ACMG/AMP sequence variant interpretation guidelines (Richards et al. 2015 PMID: 25741868, with internal and published modifications).